The following is an entry in ClinVar:

NM_000435.3(NOTCH3):c.3961G>A (p.Gly1321Arg)

Gene: NOTCH3 (notch receptor 3; minus strand). Cytogenetic location: 19p13.12.
Variant type: single nucleotide variant.
Coding change: c.3961G>A on transcript NM_000435.3 (MANE Select); coding-DNA position 3961, G replaced by A.
Protein change: p.Gly1321Arg; replaces glycine 1321 with arginine.
Molecular consequence: missense variant.
Genome position (GRCh38, 1-based): chr19:15,177,967, C>T on the plus strand (G>A on the coding strand, the complement: NOTCH3 is on the minus strand). VCF-style: chr19-15177967-C-T. GRCh37 (hg19) VCF-style: chr19-15288778-C-T.
Other names: short protein forms G1321R.
Identifiers: ClinVar variation 447842 (VCV000447842.4), dbSNP rs1030392985, ClinGen allele CA305768976.
Genomic context (GRCh38, chr19:15,177,967, plus strand): 5'-CCGCGCAGCTGGCGTTGCTGGCCCCCGGCGGCGACCCCGGGAAGCTGCGGCAGGAGGGTC[C>T]CGACAACCCTGGGGGGCAGGCGCAGCGCGGCCCGCGGGGCGTCTGCTGGCATGGGACGCC-3'
Protein context (NP_000426.2, residues 1311-1331): PRCACPPGLS[Gly1321Arg]PSCRSFPGSP

ClinVar aggregate classification (germline): Conflicting classifications of pathogenicity. Review status: criteria provided, conflicting classifications (1 of 4 stars). 3 submissions from 3 submitters: Uncertain significance (2); Likely benign (1). Last evaluated 2025-09-27.

Conditions:
Inborn genetic diseases. Identifiers: MedGen C0950123, MeSH D030342.

Allele frequency attached by ClinVar (database versions not stated): gnomAD exomes below 0.00001; gnomAD 0.00003; TOPMed 0.00003.
gnomAD v4.1: 5 of 1,355,430 alleles (0.00037%); highest among the groups gnomAD compares: African/African-American, 0.0076%; no homozygotes.

Submissions (3):

Ambry Genetics
Classification: Uncertain significance for Inborn genetic diseases. Last evaluated: 2025-09-27. Review status: criteria provided, single submitter. Criteria: Ambry Variant Classification Scheme 2023. Collection method: clinical testing. Allele origin: germline.
Comment: The c.3961G>A (p.G1321R) alteration is located in exon 24 (coding exon 24) of the NOTCH3 gene. This alteration results from a G to A substitution at nucleotide position 3961, causing the glycine (G) at amino acid position 1321 to be replaced by an arginine (R). Based on data from gnomAD, the A allele has an overall frequency of 0.005% (3/57984) total alleles studied. The highest observed frequency was 0.033% (3/9058) of African alleles. Based on insufficient or conflicting evidence, the clinical significance of this alteration remains unclear.

Labcorp Genetics (formerly Invitae), Labcorp
Classification: Likely benign. Last evaluated: 2025-05-29. Review status: criteria provided, single submitter. Criteria: Invitae Variant Classification Sherloc (09022015). Collection method: clinical testing. Allele origin: germline.

Athena Diagnostics
Classification: Uncertain significance. Last evaluated: 2024-03-15. Review status: criteria provided, single submitter. Criteria: Athena Diagnostics Criteria. Collection method: clinical testing. Allele origin: unknown.
Comment: Available data are insufficient to determine the clinical significance of the variant at this time. The frequency of this variant in the general population is higher than would generally be expected for pathogenic variants in this gene. Computational tools predict that this variant is damaging. Greater than 90% of NOTCH3 pathogenic variants associated with CADASIL involve the gain or loss of a cysteine residue within the epidermal growth factor (EGF)-like repeat domain (PMID: 32457593, 20301673).